The following is an entry in ClinVar:

ClinVar aggregate classification (germline): Uncertain significance. Review status: criteria provided, multiple submitters, no conflicts (2 of 4 stars). 2 submissions from 2 submitters: Uncertain significance (2). Last evaluated 2024-05-21.

Conditions:
Aortic valve disease 2 (AOVD2). Identifiers: MedGen C3542024, MONDO:0013902, OMIM 614823.

gnomAD v4.1: 3 of 1,600,590 alleles (0.00019%); highest among the groups gnomAD compares: Admixed American, 0.005%; no homozygotes.

Submissions (2):

Women's Health and Genetics/Laboratory Corporation of America, LabCorp
Classification: Uncertain significance. Last evaluated: 2024-05-21. Review status: criteria provided, single submitter. Criteria: LabCorp Variant Classification Summary - May 2015. Collection method: clinical testing. Allele origin: germline.
Comment: Variant summary: SMAD6 c.998G>A (p.Ser333Asn) results in a conservative amino acid change located in the SMAD, Dwarfin-type domain (IPR001132) of the encoded protein sequence. Three of five in-silico tools predict a benign effect of the variant on protein function. The variant allele was found at a frequency of 1.3e-05 in 229762 control chromosomes. The available data on variant occurrences in the general population are insufficient to allow any conclusion about variant significance. c.998G>A has been reported in the literature at least once in a cohort of individuals affected with heritable thoracic aortic disease (Musfee_2020). This report does not provide unequivocal conclusions about association of the variant with Aortic Valve Disease. To our knowledge, no experimental evidence demonstrating an impact on protein function has been reported. The following publication has been ascertained in the context of this evaluation (PMID: 32748548). ClinVar contains an entry for this variant (Variation ID: 2893088). Based on the evidence outlined above, the variant was classified as uncertain significance.

Labcorp Genetics (formerly Invitae), Labcorp
Classification: Uncertain significance for Aortic valve disease 2. Last evaluated: 2023-09-10. Review status: criteria provided, single submitter. Criteria: Invitae Variant Classification Sherloc (09022015). Collection method: clinical testing. Allele origin: germline.
Comment: This sequence change replaces serine, which is neutral and polar, with asparagine, which is neutral and polar, at codon 333 of the SMAD6 protein (p.Ser333Asn). The frequency data for this variant in the population databases is considered unreliable, as metrics indicate poor data quality at this position in the gnomAD database. This variant has not been reported in the literature in individuals affected with SMAD6-related conditions. Advanced modeling of protein sequence and biophysical properties (such as structural, functional, and spatial information, amino acid conservation, physicochemical variation, residue mobility, and thermodynamic stability) performed at Invitae indicates that this missense variant is not expected to disrupt SMAD6 protein function. In summary, the available evidence is currently insufficient to determine the role of this variant in disease. Therefore, it has been classified as a Variant of Uncertain Significance.

Literature cited by the submitters: PubMed 32748548 (cited by Women's Health and Genetics/Laboratory Corporation of America, LabCorp).

NM_005585.5(SMAD6):c.998G>A (p.Ser333Asn)

Gene: SMAD6 (SMAD family member 6; plus strand). Cytogenetic location: 15q22.31.
Variant type: single nucleotide variant.
Coding change: c.998G>A on transcript NM_005585.5 (MANE Select); coding-DNA position 998, G replaced by A.
Protein change: p.Ser333Asn; replaces serine 333 with asparagine.
Molecular consequence: missense variant. On other transcripts: non-coding transcript variant (1).
Genome position (GRCh38, 1-based): chr15:66,781,042, G>A. VCF-style: chr15-66781042-G-A. GRCh37 (hg19) VCF-style: chr15-67073380-G-A.
Other names: short protein forms S333N.
Identifiers: ClinVar variation 2893088 (VCV002893088.4), dbSNP rs199531653, ClinGen allele CA7626702.